The following is an entry in ClinVar:

NM_002528.7(NTHL1):c.295G>T (p.Asp99Tyr)

Gene: NTHL1 (nth like DNA glycosylase 1; minus strand). Cytogenetic location: 16p13.3.
Variant type: single nucleotide variant.
Coding change: c.295G>T on transcript NM_002528.7 (MANE Select); coding-DNA position 295, G replaced by T.
Protein change: p.Asp99Tyr; replaces aspartic acid 99 with tyrosine.
Molecular consequence: missense variant. On other transcripts: intron variant (1).
Genome position (GRCh38, 1-based): chr16:2,046,187, C>A on the plus strand (G>T on the coding strand, the complement: NTHL1 is on the minus strand). VCF-style: chr16-2046187-C-A. GRCh37 (hg19) VCF-style: chr16-2096188-C-A.
Other names: c.295G>T, p.Asp99Tyr (LRG_1366t1, NM_001318193.2); c.24+93G>T (NM_001318194.2); c.319G>T (NM_002528.5); short protein forms D99Y.
Identifiers: ClinVar variation 648511 (VCV000648511.11), dbSNP rs760130778, ClinGen allele CA394295556.
Genomic context (GRCh38, chr16:2,046,187, plus strand): 5'-CCTTTGGGGGGGCACTGGAGTCATAGCAGTGCTCAGTCCCCAGATGGTCCACAGGTGCAT[C>A]CTTTTTGTTCCTCATGGCACGGATGTTGACCAGCTGTTGCTGCCAGTCCTGGGGCTCCCA-3'
Protein context (NP_002519.2, residues 89-109): VNIRAMRNKK[Asp99Tyr]APVDHLGTEH

ClinVar aggregate classification (germline): Uncertain significance. Review status: criteria provided, multiple submitters, no conflicts (2 of 4 stars). 3 submissions from 3 submitters: Uncertain significance (3). Last evaluated 2025-06-11.

Conditions:
Familial adenomatous polyposis 3. Also called: NTHL1-Related Adenomatous Polyposis and Colorectal Cancer; NTHL1-associated polyposis; NTHL1-related attenuated familial adenomatous polyposis; NTHL1 Tumor Syndrome. Identifiers: Orphanet 220460, Orphanet 454840, MedGen C4225157, MONDO:0014630, OMIM 616415.
Hereditary cancer-predisposing syndrome. Also called: Tumor predisposition; Neoplastic Syndromes, Hereditary; Hereditary Cancer Syndrome; Hereditary neoplastic syndrome. Identifiers: Orphanet 140162, MedGen C0027672, MeSH D009386, MONDO:0015356.

Submissions (3):

Labcorp Genetics (formerly Invitae), Labcorp
Classification: Uncertain significance. Last evaluated: 2025-06-11. Review status: criteria provided, single submitter. Criteria: Invitae Variant Classification Sherloc (09022015). Collection method: clinical testing. Allele origin: germline.
Comment: This sequence change replaces aspartic acid, which is acidic and polar, with tyrosine, which is neutral and polar, at codon 107 of the NTHL1 protein (p.Asp107Tyr). This variant is not present in population databases (gnomAD no frequency). This variant has not been reported in the literature in individuals affected with NTHL1-related conditions. ClinVar contains an entry for this variant (Variation ID: 648511). An algorithm developed to predict the effect of missense changes on protein structure and function (PolyPhen-2) suggests that this variant is likely to be disruptive. In summary, the available evidence is currently insufficient to determine the role of this variant in disease. Therefore, it has been classified as a Variant of Uncertain Significance.

Baylor Genetics
Classification: Uncertain significance for Familial adenomatous polyposis 3. Last evaluated: 2024-03-10. Review status: criteria provided, single submitter. Criteria: ACMG Guidelines, 2015. Collection method: clinical testing. Allele origin: unknown.

Ambry Genetics
Classification: Uncertain significance for Hereditary cancer-predisposing syndrome. Last evaluated: 2023-10-27. Review status: criteria provided, single submitter. Criteria: Ambry Variant Classification Scheme 2023. Collection method: clinical testing. Allele origin: germline.
Comment: The p.D107Y variant (also known as c.319G>T), located in coding exon 2 of the NTHL1 gene, results from a G to T substitution at nucleotide position 319. The aspartic acid at codon 107 is replaced by tyrosine, an amino acid with highly dissimilar properties. This amino acid position is conserved. In addition, this alteration is predicted to be deleterious by in silico analysis. Since supporting evidence is limited at this time, the clinical significance of this alteration remains unclear.